The following is an entry in ClinVar:

NM_198253.3(TERT):c.893C>A (p.Ser298Tyr)

Gene: TERT (telomerase reverse transcriptase; minus strand). Cytogenetic location: 5p15.33.
Variant type: single nucleotide variant.
Coding change: c.893C>A on transcript NM_198253.3 (MANE Select); coding-DNA position 893, C replaced by A.
Protein change: p.Ser298Tyr; replaces serine 298 with tyrosine.
Molecular consequence: missense variant. On other transcripts: non-coding transcript variant (2).
Genome position (GRCh38, 1-based): chr5:1,293,993, G>T on the plus strand (C>A on the coding strand, the complement: TERT is on the minus strand). VCF-style: chr5-1293993-G-T. GRCh37 (hg19) VCF-style: chr5-1294108-G-T.
Other names: c.893C>A, p.Ser298Tyr (NM_001193376.3, NM_003219.1); short protein forms S298Y.
Identifiers: ClinVar variation 1765180 (VCV001765180.2), dbSNP rs918075673, ClinGen allele CA359056273.
Genomic context (GRCh38, chr5:1,293,993, plus strand): 5'-TCCCAGGGACGTGGTGGCCGCGATGTGGATGGGGGGCCCGCGTGGTGCTGGCGGCCCACG[G>T]ATGGGTGGGAGTGGCGCGTGCCAGAGAGCGCACCCTCCAAAGAGGTGGCTTCTTCGGCGG-3'
Protein context (NP_937983.2, residues 288-308): ALSGTRHSHP[Ser298Tyr]VGRQHHAGPP

ClinVar aggregate classification (germline): Uncertain significance (1 of 4 stars; one submission).

Conditions:
Dyskeratosis congenita. Identifiers: Orphanet 1775, MedGen C0265965, MONDO:0015780.

gnomAD v4.1: 6 of 1,575,738 alleles (0.00038%); highest among the groups gnomAD compares: Admixed American, 0.009%; no homozygotes.

Submission:

Ambry Genetics
Classification: Uncertain significance for Dyskeratosis congenita. Last evaluated: 2022-05-09. Review status: criteria provided, single submitter. Criteria: Ambry Variant Classification Scheme 2023. Collection method: clinical testing. Allele origin: germline.
Comment: The p.S298Y variant (also known as c.893C>A), located in coding exon 2 of the TERT gene, results from a C to A substitution at nucleotide position 893. The serine at codon 298 is replaced by tyrosine, an amino acid with dissimilar properties. This amino acid position is conserved. In addition, the in silico prediction for this alteration is inconclusive. Since supporting evidence is limited at this time, the clinical significance of this alteration remains unclear.